The following is an entry in ClinVar:

ClinVar aggregate classification (germline): Uncertain significance (1 of 4 stars; one submission).

gnomAD v4.1: 1 of 1,605,472 alleles (0.000062%); highest among the groups gnomAD compares: Admixed American, 0.0017%; no homozygotes.

Submission:

GeneDx
Classification: Uncertain significance. Last evaluated: 2025-05-27. Review status: criteria provided, single submitter. Criteria: GeneDx Variant Classification Process June 2021. Collection method: clinical testing. Allele origin: germline. Affected: yes.
Comment: Not observed at significant frequency in large population cohorts (gnomAD); In silico analysis supports that this missense variant has a deleterious effect on protein structure/function; Has not been previously published as pathogenic or benign to our knowledge; Located in one of the three hot-spot regions of the RYR2 gene, where the majority of pathogenic missense variants occur (PMID: 19926015); This variant is associated with the following publications: (PMID: 19926015)

NM_001035.3(RYR2):c.13009C>T (p.Pro4337Ser)

Genes: RYR2 (ryanodine receptor 2; plus strand), LOC126806068 (BRD4-independent group 4 enhancer GRCh37_chr1:237947411-237948610; plus strand). Cytogenetic location: 1q43.
Variant type: single nucleotide variant.
Coding change: c.13009C>T on transcript NM_001035.3 (MANE Select); coding-DNA position 13009, C replaced by T.
Protein change: p.Pro4337Ser; replaces proline 4337 with serine.
Molecular consequence: missense variant.
Genome position (GRCh38, 1-based): chr1:237,784,721, C>T. VCF-style: chr1-237784721-C-T. GRCh37 (hg19) VCF-style: chr1-237948021-C-T.
Other names: short protein forms P4337S.
Identifiers: ClinVar variation 4532562 (VCV004532562.1).